The following is an entry in ClinVar:

NM_000059.4(BRCA2):c.5281G>C (p.Gly1761Arg)

Gene: BRCA2 (BRCA2 DNA repair associated; plus strand). Cytogenetic location: 13q13.1.
Variant type: single nucleotide variant.
Coding change: c.5281G>C on transcript NM_000059.4 (MANE Select); coding-DNA position 5281, G replaced by C.
Protein change: p.Gly1761Arg; replaces glycine 1761 with arginine.
Molecular consequence: missense variant.
Genome position (GRCh38, 1-based): chr13:32,339,636, G>C. VCF-style: chr13-32339636-G-C. GRCh37 (hg19) VCF-style: chr13-32913773-G-C.
Other names: short protein forms G1761R.
Identifiers: ClinVar variation 825614 (VCV000825614.7), dbSNP rs886038122, ClinGen allele CA387784765.

ClinVar aggregate classification (germline): Conflicting classifications of pathogenicity. Review status: criteria provided, conflicting classifications (1 of 4 stars). 3 submissions from 3 submitters: Uncertain significance (2); Likely benign (1). Last evaluated 2025-06-03.

Conditions:
Hereditary cancer-predisposing syndrome. Also called: Neoplastic Syndromes, Hereditary; Tumor predisposition; Hereditary neoplastic syndrome; Hereditary Cancer Syndrome. Identifiers: Orphanet 140162, MedGen C0027672, MeSH D009386, MONDO:0015356.

Submissions (3):

Color Diagnostics, LLC DBA Color Health
Classification: Uncertain significance for Hereditary cancer-predisposing syndrome. Last evaluated: 2025-06-03. Review status: criteria provided, single submitter. Criteria: ACMG Guidelines, 2015. Collection method: clinical testing. Allele origin: germline.
Comment: This missense variant replaces glycine with arginine at codon 1761 of the BRCA2 protein. Computational prediction suggests that this variant may not impact protein structure and function. To our knowledge, functional studies have not been reported for this variant. This variant has not been reported in individuals affected with BRCA2-related disorders in the literature. This variant has not been identified in the general population by the Genome Aggregation Database (gnomAD). The available evidence is insufficient to determine the role of this variant in disease conclusively. Therefore, this variant is classified as a Variant of Uncertain Significance.

University of Washington Department of Laboratory Medicine, University of Washington
Classification: Likely benign for Hereditary cancer-predisposing syndrome. Last evaluated: 2023-03-23. Review status: criteria provided, single submitter. Criteria: Dines et al. (Genet Med. 2020). Collection method: curation. Allele origin: germline.
Comment: Missense variant in a coldspot region where missense variants are very unlikely to be pathogenic (PMID:31911673).

BRCA2 exon 11 coldspot. Reclassification based on statistical prior probability.

Ambry Genetics
Classification: Uncertain significance for Hereditary cancer-predisposing syndrome. Last evaluated: 2019-08-29. Review status: criteria provided, single submitter. Criteria: Ambry Variant Classification Scheme 2023. Collection method: clinical testing. Allele origin: germline.
Comment: The p.G1761R variant (also known as c.5281G>C), located in coding exon 10 of the BRCA2 gene, results from a G to C substitution at nucleotide position 5281. The glycine at codon 1761 is replaced by arginine, an amino acid with dissimilar properties. This amino acid position is not well conserved in available vertebrate species. In addition, this alteration is predicted to be tolerated by in silico analysis. Since supporting evidence is limited at this time, the clinical significance of this alteration remains unclear.